The following is an entry in ClinVar:

ClinVar aggregate classification (germline): Conflicting classifications of pathogenicity. Review status: criteria provided, conflicting classifications (1 of 4 stars). 2 submissions from 2 submitters: Uncertain significance (1); Likely benign (1). Last evaluated 2024-12-13.

Conditions:
Cryopyrin associated periodic syndrome (CAPS). Identifiers: Orphanet 208650, MedGen C2316212, MONDO:0016168.
Autoinflammatory syndrome. Identifiers: Orphanet 93665, MedGen C3890737, MONDO:0019751.

Allele frequency attached by ClinVar (database versions not stated): gnomAD exomes below 0.00001.
gnomAD v4.1: 2 of 1,612,588 alleles (0.00012%); highest among the groups gnomAD compares: Non-Finnish European, 0.00017%; no homozygotes.

Submissions (2):

Labcorp Genetics (formerly Invitae), Labcorp
Classification: Uncertain significance for Cryopyrin associated periodic syndrome. Last evaluated: 2024-12-13. Review status: criteria provided, single submitter. Criteria: Invitae Variant Classification Sherloc (09022015). Collection method: clinical testing. Allele origin: germline.
Comment: This sequence change replaces lysine, which is basic and polar, with arginine, which is basic and polar, at codon 86 of the NLRP3 protein (p.Lys86Arg). This variant is not present in population databases (gnomAD no frequency). This variant has not been reported in the literature in individuals affected with NLRP3-related conditions. ClinVar contains an entry for this variant (Variation ID: 1694434). Invitae Evidence Modeling of protein sequence and biophysical properties (such as structural, functional, and spatial information, amino acid conservation, physicochemical variation, residue mobility, and thermodynamic stability) indicates that this missense variant is not expected to disrupt NLRP3 protein function with a negative predictive value of 95%. In summary, the available evidence is currently insufficient to determine the role of this variant in disease. Therefore, it has been classified as a Variant of Uncertain Significance.

Genome Diagnostics Laboratory, The Hospital for Sick Children
Classification: Likely benign for Autoinflammatory syndrome. Last evaluated: 2016-12-12. Review status: criteria provided, single submitter. Criteria: ACMG Guidelines, 2015. Collection method: clinical testing. Allele origin: germline. Affected: yes.

NM_001243133.2(NLRP3):c.251A>G (p.Lys84Arg)

Gene: NLRP3 (NLR family pyrin domain containing 3; plus strand). Cytogenetic location: 1q44.
Variant type: single nucleotide variant.
Coding change: c.251A>G on transcript NM_001243133.2 (MANE Select); coding-DNA position 251, A replaced by G.
Protein change: p.Lys84Arg; replaces lysine 84 with arginine.
Molecular consequence: missense variant.
Genome position (GRCh38, 1-based): chr1:247,419,051, A>G. VCF-style: chr1-247419051-A-G. GRCh37 (hg19) VCF-style: chr1-247582353-A-G.
Other names: c.251A>G, p.Lys84Arg (NM_001079821.3, NM_001127461.3, NM_001127462.3 and 1 more transcripts); c.257A>G, p.Lys86Arg (NM_004895.5); short protein forms K84R, K86R.
Identifiers: ClinVar variation 1694434 (VCV001694434.5), dbSNP rs2103084742, ClinGen allele CA345552889.
Genomic context (GRCh38, chr1:247,419,051, plus strand): 5'-AGGCGTGGGCCATGGCCGTGTGGATCTTCGCTGCGATCAACAGGAGAGACCTTTATGAGA[A>G]AGCAAAAAGAGATGAGCCGAAGTGGGGTGAGTGGAAGGAAGACTTTTAAAAAAAATTGTG-3'
Protein context (NP_001230062.1, residues 74-94): AAINRRDLYE[Lys84Arg]AKRDEPKWGS